The following is an entry in ClinVar:

NM_001814.6(CTSC):c.641+3A>G

Gene: CTSC (cathepsin C; minus strand). Cytogenetic location: 11q14.2.
Variant type: single nucleotide variant.
Coding change: c.641+3A>G on transcript NM_001814.6 (MANE Select); 3 bases into the intron after coding-DNA position 641, A replaced by G.
Molecular consequence: intron variant.
Genome position (GRCh38, 1-based): chr11:88,309,160, T>C on the plus strand (A>G on the coding strand, the complement: CTSC is on the minus strand). VCF-style: chr11-88309160-T-C. GRCh37 (hg19) VCF-style: chr11-88042328-T-C.
Identifiers: ClinVar variation 1932799 (VCV001932799.2), dbSNP rs1024320075, ClinGen allele CA225425941.

ClinVar aggregate classification (germline): Uncertain significance (1 of 4 stars; one submission).

Conditions:
Periodontitis, aggressive. Identifiers: MedGen C0031106, MONDO:0980757.
Haim-Munk syndrome (HMS). Also called: COCHIN JEWISH DISORDER; KERATOSIS PALMOPLANTARIS WITH PERIODONTOPATHIA AND ONYCHOGRYPOSIS. Identifiers: Orphanet 2342, MedGen C1855627, MONDO:0009491, OMIM 245010.
Papillon-Lefèvre syndrome (PALS). Also called: KERATOSIS PALMOPLANTARIS WITH PERIODONTOPATHIA; Papillon-Lefevre Disease. Identifiers: Orphanet 678, MedGen C0030360, MONDO:0009490, OMIM 245000.

Allele frequency attached by ClinVar (database versions not stated): gnomAD 0.00001; TOPMed 0.00003.
gnomAD v4.1: 4 of 1,613,364 alleles (0.00025%); highest among the groups gnomAD compares: African/African-American, 0.0053%; no homozygotes.

Submission:

Labcorp Genetics (formerly Invitae), Labcorp
Classification: Uncertain significance for Haim-Munk syndrome; Periodontitis, aggressive; Papillon-Lefèvre syndrome. Last evaluated: 2022-05-17. Review status: criteria provided, single submitter. Criteria: Invitae Variant Classification Sherloc (09022015). Collection method: clinical testing. Allele origin: germline.
Comment: This sequence change falls in intron 4 of the CTSC gene. It does not directly change the encoded amino acid sequence of the CTSC protein. It affects a nucleotide within the consensus splice site. The frequency data for this variant in the population databases is considered unreliable, as metrics indicate poor data quality at this position in the gnomAD database. This variant has not been reported in the literature in individuals affected with CTSC-related conditions. Variants that disrupt the consensus splice site are a relatively common cause of aberrant splicing (PMID: 17576681, 9536098). Algorithms developed to predict the effect of sequence changes on RNA splicing suggest that this variant may disrupt the consensus splice site. In summary, the available evidence is currently insufficient to determine the role of this variant in disease. Therefore, it has been classified as a Variant of Uncertain Significance.

Literature cited by the submitters: PubMed 17576681; PubMed 9536098.